The following is an entry in ClinVar:

NM_198253.3(TERT):c.634G>A (p.Val212Ile)

Gene: TERT (telomerase reverse transcriptase; minus strand). Cytogenetic location: 5p15.33.
Variant type: single nucleotide variant.
Coding change: c.634G>A on transcript NM_198253.3 (MANE Select); coding-DNA position 634, G replaced by A.
Protein change: p.Val212Ile; replaces valine 212 with isoleucine.
Molecular consequence: missense variant. On other transcripts: non-coding transcript variant (2).
Genome position (GRCh38, 1-based): chr5:1,294,252, C>T on the plus strand (G>A on the coding strand, the complement: TERT is on the minus strand). VCF-style: chr5-1294252-C-T. GRCh37 (hg19) VCF-style: chr5-1294367-C-T.
Other names: c.634G>A, p.Val212Ile (NM_001193376.3); short protein forms V212I.
Identifiers: ClinVar variation 999517 (VCV000999517.47), dbSNP rs1751224811, ClinGen allele CA359057132.
Genomic context (GRCh38, chr5:1,294,252, plus strand): 5'-GACTTCGGCTGGCACTGCCCCCGCGCCTCCTCGCACCCGGGGCTGGCAGGCCCAGGGGGA[C>T]CCCGGCCTCCCTGACGCTATGGTTCCAGGCCCGTTCGCATCCCAGACGCCTTCGGGGTCC-3'
Protein context (NP_937983.2, residues 202-222): AWNHSVREAG[Val212Ile]PLGLPAPGAR

ClinVar aggregate classification (germline): Uncertain significance (1 of 4 stars; one submission).

Conditions:
Idiopathic Pulmonary Fibrosis. Also called: Idiopathic fibrosing alveolitis, chronic form; idiopathic fibrosing alveolitis. Identifiers: Orphanet 2032, MedGen C1800706, MeSH D054990, MONDO:0800504.
Dyskeratosis congenita, autosomal dominant 2. Identifiers: MedGen C3151443, MONDO:0013521, OMIM 613989.

Submission:

Labcorp Genetics (formerly Invitae), Labcorp
Classification: Uncertain significance for Dyskeratosis congenita, autosomal dominant 2; Idiopathic Pulmonary Fibrosis. Last evaluated: 2020-01-20. Review status: criteria provided, single submitter. Criteria: Invitae Variant Classification Sherloc (09022015). Collection method: clinical testing. Allele origin: germline.
Comment: This sequence change replaces valine with isoleucine at codon 212 of the TERT protein (p.Val212Ile). The valine residue is weakly conserved and there is a small physicochemical difference between valine and isoleucine. This variant is not present in population databases (ExAC no frequency). This variant has not been reported in the literature in individuals with TERT-related conditions. Algorithms developed to predict the effect of missense changes on protein structure and function (SIFT, PolyPhen-2, Align-GVGD) all suggest that this variant is likely to be tolerated, but these predictions have not been confirmed by published functional studies and their clinical significance is uncertain. In summary, the available evidence is currently insufficient to determine the role of this variant in disease. Therefore, it has been classified as a Variant of Uncertain Significance.